The following is an entry in ClinVar:

ClinVar aggregate classification (germline): Uncertain significance. Review status: criteria provided, multiple submitters, no conflicts (2 of 4 stars). 3 submissions from 3 submitters: Uncertain significance (3). Last evaluated 2023-08-01.

Conditions:
Long QT syndrome (LQTS). Identifiers: MedGen C0023976, MeSH D008133, MONDO:0002442. Disease mechanism: loss of function. Inheritance: Various modes of inheritance.
Cardiovascular phenotype. Identifiers: MedGen CN230736.

gnomAD v4.1: 13 of 1,612,912 alleles (0.00081%); highest among the groups gnomAD compares: South Asian, 0.0011%; no homozygotes.

Submissions (3):

CeGaT Center for Human Genetics Tuebingen
Classification: Uncertain significance. Last evaluated: 2023-08-01. Review status: criteria provided, single submitter. Criteria: CeGaT Center For Human Genetics Tuebingen Variant Classification Criteria Version 2. Collection method: clinical testing. Allele origin: germline. Affected: yes. Observed: 1 variant allele.
Comment: CACNA1C: PM2, PP2

Labcorp Genetics (formerly Invitae), Labcorp
Classification: Uncertain significance for Long QT syndrome. Last evaluated: 2022-10-10. Review status: criteria provided, single submitter. Criteria: Invitae Variant Classification Sherloc (09022015). Collection method: clinical testing. Allele origin: germline.
Comment: In summary, the available evidence is currently insufficient to determine the role of this variant in disease. Therefore, it has been classified as a Variant of Uncertain Significance. Advanced modeling of protein sequence and biophysical properties (such as structural, functional, and spatial information, amino acid conservation, physicochemical variation, residue mobility, and thermodynamic stability) performed at Invitae indicates that this missense variant is not expected to disrupt CACNA1C protein function. ClinVar contains an entry for this variant (Variation ID: 1412491). This variant has not been reported in the literature in individuals affected with CACNA1C-related conditions. This variant is not present in population databases (gnomAD no frequency). This sequence change replaces proline, which is neutral and non-polar, with leucine, which is neutral and non-polar, at codon 1727 of the CACNA1C protein (p.Pro1727Leu).

Ambry Genetics
Classification: Uncertain significance for Cardiovascular phenotype. Last evaluated: 2018-01-04. Review status: criteria provided, single submitter. Criteria: Ambry Variant Classification Scheme 2023. Collection method: clinical testing. Allele origin: germline.
Comment: The p.P1727L variant (also known as c.5180C>T), located in coding exon 42 of the CACNA1C gene, results from a C to T substitution at nucleotide position 5180. The proline at codon 1727 is replaced by leucine, an amino acid with similar properties. This amino acid position is highly conserved in available vertebrate species. In addition, this alteration is predicted to be deleterious by in silico analysis. Since supporting evidence is limited at this time, the clinical significance of this alteration remains unclear.

NM_000719.7(CACNA1C):c.5180C>T (p.Pro1727Leu)

Genes: CACNA1C (calcium voltage-gated channel subunit alpha1 C; plus strand), CACNA1C-AS1 (CACNA1C antisense RNA 1; minus strand). Cytogenetic location: 12p13.33.
Variant type: single nucleotide variant.
Coding change: c.5180C>T on transcript NM_000719.7 (MANE Select); coding-DNA position 5180, C replaced by T.
Protein change: p.Pro1727Leu; replaces proline 1727 with leucine.
Molecular consequence: missense variant.
Genome position (GRCh38, 1-based): chr12:2,679,532, C>T. VCF-style: chr12-2679532-C-T. GRCh37 (hg19) VCF-style: chr12-2788698-C-T.
Other names: c.5324C>T, p.Pro1775Leu (NM_001129827.2, NM_199460.4); c.5303C>T, p.Pro1768Leu (NM_001129829.2); c.5180C>T, p.Pro1727Leu (NM_001129830.3, NM_001129840.2, NM_001129841.2 and 4 more transcripts); c.5264C>T, p.Pro1755Leu (NM_001129831.2); c.5240C>T, p.Pro1747Leu (NM_001129832.2); c.5237C>T, p.Pro1746Leu (NM_001129833.2, NM_001129834.2, NM_001129835.2); c.5231C>T, p.Pro1744Leu (NM_001129836.2); c.5204C>T, p.Pro1735Leu (NM_001129837.2, NM_001129838.2); and 3 more; short protein forms P1735L, P1744L, P1768L, P1775L, P1746L, P1747L, P1755L, P1716L.
Identifiers: ClinVar variation 1412491 (VCV001412491.35), dbSNP rs2153803252, ClinGen allele CA383378664.